The following is an entry in ClinVar:

NM_031220.4(PITPNM3):c.1847C>G (p.Pro616Arg)

Gene: PITPNM3 (PITPNM family member 3; minus strand). Cytogenetic location: 17p13.2.
Variant type: single nucleotide variant.
Coding change: c.1847C>G on transcript NM_031220.4 (MANE Select); coding-DNA position 1847, C replaced by G.
Protein change: p.Pro616Arg; replaces proline 616 with arginine.
Molecular consequence: missense variant.
Genome position (GRCh38, 1-based): chr17:6,468,268, G>C on the plus strand (C>G on the coding strand, the complement: PITPNM3 is on the minus strand). VCF-style: chr17-6468268-G-C. GRCh37 (hg19) VCF-style: chr17-6371588-G-C.
Other names: c.1739C>G, p.Pro580Arg (NM_001165966.2); short protein forms P616R, P580R.
Identifiers: ClinVar variation 968323 (VCV000968323.10), dbSNP rs1904886367, ClinGen allele CA397404298.

ClinVar aggregate classification (germline): Uncertain significance. Review status: criteria provided, multiple submitters, no conflicts (2 of 4 stars). 2 submissions from 2 submitters: Uncertain significance (2). Last evaluated 2025-03-17.

Submissions (2):

Labcorp Genetics (formerly Invitae), Labcorp
Classification: Uncertain significance. Last evaluated: 2025-03-17. Review status: criteria provided, single submitter. Criteria: Invitae Variant Classification Sherloc (09022015). Collection method: clinical testing. Allele origin: germline.
Comment: This sequence change replaces proline, which is neutral and non-polar, with arginine, which is basic and polar, at codon 616 of the PITPNM3 protein (p.Pro616Arg). This variant is not present in population databases (gnomAD no frequency). This variant has not been reported in the literature in individuals affected with PITPNM3-related conditions. ClinVar contains an entry for this variant (Variation ID: 968323). Invitae Evidence Modeling of protein sequence and biophysical properties (such as structural, functional, and spatial information, amino acid conservation, physicochemical variation, residue mobility, and thermodynamic stability) has been performed for this missense variant. However, the output from this modeling did not meet the statistical confidence thresholds required to predict the impact of this variant on PITPNM3 protein function. In summary, the available evidence is currently insufficient to determine the role of this variant in disease. Therefore, it has been classified as a Variant of Uncertain Significance.

Ambry Genetics
Classification: Uncertain significance. Last evaluated: 2024-02-05. Review status: criteria provided, single submitter. Criteria: Ambry Variant Classification Scheme 2023. Collection method: clinical testing. Allele origin: germline.